The following is an entry in ClinVar:

NM_002485.5(NBN):c.102G>A (p.Leu34=)

Gene: NBN (nibrin; minus strand). Cytogenetic location: 8q21.3.
Variant type: single nucleotide variant.
Coding change: c.102G>A on transcript NM_002485.5 (MANE Select); coding-DNA position 102, G replaced by A.
Protein change: p.Leu34=; no amino-acid change (leucine 34 retained).
Molecular consequence: synonymous variant. On other transcripts: 5 prime UTR variant (1).
Genome position (GRCh38, 1-based): chr8:89,982,791, C>T on the plus strand (G>A on the coding strand, the complement: NBN is on the minus strand). VCF-style: chr8-89982791-C-T. GRCh37 (hg19) VCF-style: chr8-90995019-C-T.
Other names: NP_002476.2:p.Leu34=; p.Leu34=; c.-195G>A (NM_001024688.3).
Identifiers: ClinVar variation 183697 (VCV000183697.53), dbSNP rs1063045, ClinGen allele CA186157.

ClinVar aggregate classification (germline): Benign/Likely benign. Review status: criteria provided, multiple submitters, no conflicts (2 of 4 stars). 20 submissions from 19 submitters: Benign (15); Likely benign (1). 4 of the submissions do not count toward it. Last evaluated 2026-02-04.

Conditions:
Hereditary cancer-predisposing syndrome. Also called: Tumor predisposition; Neoplastic Syndromes, Hereditary; Hereditary neoplastic syndrome; Hereditary Cancer Syndrome. Identifiers: Orphanet 140162, MedGen C0027672, MeSH D009386, MONDO:0015356.
Hereditary breast ovarian cancer syndrome. Also called: Hereditary breast and ovarian cancer syndrome; Hereditary breast and ovarian cancer syndrome (HBOC); Hereditary breast and ovarian cancer; Breast and ovarian cancer; BRCA1- and BRCA2-Associated Hereditary Breast and Ovarian Cancer; Hereditary breast and/or ovarian cancer syndrome. Identifiers: Orphanet 145, MedGen C0677776, MeSH D061325, MONDO:0003582. Disease mechanism: loss of function.
Acute lymphoid leukemia (ALL). Also called: Acute lymphoblastic leukemia; Acute lymphocytic leukemia; Leukemia, acute lymphoblastic, somatic; Lymphoblastic leukemia. Identifiers: Orphanet 513, MedGen C0023449, MONDO:0004967, OMIM 613065, HP:0006721.
Microcephaly, normal intelligence and immunodeficiency (NBS). Also called: SEEMANOVA SYNDROME II; Nijmegen breakage syndrome; Microcephaly with normal intelligence immunodeficiency and lymphoreticular malignancies; Nonsyndromal microcephaly autosomal recessive with normal intelligence; Seemanova syndrome 2; BERLIN BREAKAGE SYNDROME. Identifiers: Orphanet 647, MedGen C0398791, MONDO:0009623, OMIM 251260.

Allele frequency attached by ClinVar (database versions not stated): ESP Exome Variant Server 0.31316; gnomAD 0.32752 and 0.33298; TOPMed 0.32860; gnomAD exomes 0.33580 and 0.35351; ExAC 0.35272; 1000 Genomes Project 30x 0.37164; 1000 Genomes Project 0.37919.
gnomAD v4.1: 541,488 of 1,612,414 alleles (34%); highest among the groups gnomAD compares: East Asian, 48%; 92,617 homozygotes.

Submissions (20):

Labcorp Genetics (formerly Invitae), Labcorp
Classification: Benign for Microcephaly, normal intelligence and immunodeficiency. Last evaluated: 2026-02-04. Review status: criteria provided, single submitter. Criteria: Invitae Variant Classification Sherloc (09022015). Collection method: clinical testing. Allele origin: germline.

ARUP Laboratories, Molecular Genetics and Genomics, ARUP Laboratories
Classification: Benign. Last evaluated: 2025-07-28. Review status: criteria provided, single submitter. Criteria: ARUP Molecular Germline Variant Investigation Process 2024. Collection method: clinical testing. Allele origin: germline.

GeneKor MSA
Classification: Benign for Hereditary cancer-predisposing syndrome. Last evaluated: 2025-07-10. Review status: criteria provided, single submitter. Criteria: ACMG Guidelines, 2015. Collection method: clinical testing. Allele origin: germline.

KCCC/NGS Laboratory, Kuwait Cancer Control Center
Classification: Benign for Microcephaly, normal intelligence and immunodeficiency. Last evaluated: 2025-02-01. Review status: criteria provided, single submitter. Criteria: ACMG Guidelines, 2015. Collection method: clinical testing. Allele origin: germline. Affected: no.

Blueprint Genetics
Classification: Likely benign. Last evaluated: 2024-11-27. Review status: criteria provided, single submitter. Criteria: ACMG Guidelines, 2015. Collection method: clinical testing. Allele origin: germline.

Unidad de Genómica Garrahan, Hospital de Pediatría Garrahan
Classification: Benign. Last evaluated: 2024-01-24. Review status: criteria provided, single submitter. Criteria: ACMG Guidelines, 2015. Collection method: clinical testing. Allele origin: germline. Affected: no. Observed: 60 variant alleles.
Comment: This variant is classified as Benign based on local population frequency. This variant was detected in 63% of patients studied by a panel of primary immunodeficiencies. Number of patients: 60. Only high quality variants are reported.

KCCC/NGS Laboratory, Kuwait Cancer Control Center
Classification: Benign for Acute lymphoid leukemia. Last evaluated: 2023-07-07. Review status: criteria provided, single submitter. Criteria: ACMG Guidelines, 2015. Collection method: clinical testing. Allele origin: germline. Affected: yes.

Mayo Clinic Laboratories, Mayo Clinic
Classification: Benign. Last evaluated: 2022-09-06. Review status: criteria provided, single submitter. Criteria: ACMG Guidelines, 2015. Collection method: clinical testing. Allele origin: germline. Observed: 611 variant alleles.

National Health Laboratory Service, Universitas Academic Hospital and University of the Free State
Classification: Benign for Hereditary breast ovarian cancer syndrome. Last evaluated: 2022-04-19. Review status: criteria provided, single submitter. Criteria: ACMG Guidelines, 2015. Collection method: clinical testing. Allele origin: germline. Affected: yes. Observed: 173 variant alleles.

Genome-Nilou Lab
Classification: Benign for Microcephaly, normal intelligence and immunodeficiency. Last evaluated: 2021-07-01. Review status: criteria provided, single submitter. Criteria: ACMG Guidelines, 2015. Collection method: clinical testing. Allele origin: germline. Affected: no.

Illumina Laboratory Services, Illumina
Classification: Benign for Microcephaly, normal intelligence and immunodeficiency. Last evaluated: 2018-01-13. Review status: criteria provided, single submitter. Criteria: ICSL Variant Classification Criteria 13 December 2019. Collection method: clinical testing. Allele origin: germline.
Comment: This variant was observed in the ICSL laboratory as part of a predisposition screen in an ostensibly healthy population. It had not been previously curated by ICSL or reported in the Human Gene Mutation Database (HGMD: prior to June 1st, 2018), and was therefore a candidate for classification through an automated scoring system. Utilizing variant allele frequency, disease prevalence and penetrance estimates, and inheritance mode, an automated score was calculated to assess if this variant is too frequent to cause the disease. Based on the score and internal cut-off values, a variant classified as benign is not then subjected to further curation. The score for this variant resulted in a classification of benign for this disease.

Laboratory for Molecular Medicine, Mass General Brigham Personalized Medicine
Classification: Benign. Last evaluated: 2016-03-28. Review status: criteria provided, single submitter. Criteria: LMM Criteria. Collection method: clinical testing. Allele origin: germline. Observed: 1 variant allele.
Comment: Disclaimer: This variant has not undergone full assessment. The following are pr eliminary notes: Frequency

GeneDx
Classification: Benign. Last evaluated: 2015-03-03. Review status: criteria provided, single submitter. Criteria: GeneDx Variant Classification Process June 2021. Collection method: clinical testing. Allele origin: germline. Affected: yes.

Ambry Genetics
Classification: Benign for Hereditary cancer-predisposing syndrome. Last evaluated: 2014-11-18. Review status: criteria provided, single submitter. Criteria: Ambry Variant Classification Scheme 2023. Collection method: clinical testing. Allele origin: germline.

Breakthrough Genomics
Classification: Benign. Review status: criteria provided, single submitter. Criteria: ACMG Guidelines, 2015. Collection method: not provided. Allele origin: germline. Inheritance: Autosomal recessive inheritance. Affected: yes.

PreventionGenetics, part of Exact Sciences
Classification: Benign. Review status: criteria provided, single submitter. Criteria: ACMG Guidelines, 2015. Collection method: clinical testing. Allele origin: germline.

Natera, Inc.
Classification: Benign for Nijmegen breakage syndrome. Last evaluated: 2020-09-16. Review status: no assertion criteria provided. Collection method: clinical testing. Allele origin: germline. Not counted in ClinVar's aggregate classification.

Clinical Genetics DNA and cytogenetics Diagnostics Lab, Erasmus MC, Erasmus Medical Center
Classification: Benign. Review status: no assertion criteria provided. Collection method: clinical testing. Allele origin: germline. Affected: yes. Study: VKGL Data-share Consensus. Not counted in ClinVar's aggregate classification.

Diagnostic Laboratory, Department of Genetics, University Medical Center Groningen
Classification: Benign. Review status: no assertion criteria provided. Collection method: clinical testing. Allele origin: germline. Affected: yes. Study: VKGL Data-share Consensus. Not counted in ClinVar's aggregate classification.

Joint Genome Diagnostic Labs from Nijmegen and Maastricht, Radboudumc and MUMC+
Classification: Benign. Review status: no assertion criteria provided. Collection method: clinical testing. Allele origin: germline. Affected: yes. Study: VKGL Data-share Consensus. Not counted in ClinVar's aggregate classification.

Literature cited by the submitters: PubMed 17001621 (cited by Ambry Genetics); PubMed 18023021 (cited by Ambry Genetics); PubMed 18612309 (cited by Ambry Genetics); PubMed 22841127 (cited by Ambry Genetics).